The following is an entry in ClinVar:

ClinVar aggregate classification (germline): Benign/Likely benign. Review status: criteria provided, multiple submitters, no conflicts (2 of 4 stars). 5 submissions from 5 submitters: Benign (3); Likely benign (2). Last evaluated 2026-01-28.

Conditions:
Thrombophilia due to protein C deficiency, autosomal dominant. Also called: PROC DEFICIENCY, AUTOSOMAL DOMINANT; PROTEIN C DEFICIENCY, AUTOSOMAL DOMINANT. Identifiers: Orphanet 745, MedGen C2674321, MONDO:0008316, OMIM 176860. Disease mechanism: loss of function.
Thrombophilia due to protein C deficiency, autosomal recessive. Also called: PROC DEFICIENCY, AUTOSOMAL RECESSIVE; PROTEIN C DEFICIENCY, AUTOSOMAL RECESSIVE. Identifiers: Orphanet 745, MedGen C2676759, MONDO:0012860, OMIM 612304.

Allele frequency attached by ClinVar (database versions not stated): ExAC 0.00418; gnomAD 0.01184 and 0.01266; gnomAD exomes 0.00191 and 0.00357; ESP Exome Variant Server 0.01338; TOPMed 0.01353; 1000 Genomes Project 0.01358; 1000 Genomes Project 30x 0.01359.
gnomAD v4.1: 4,669 of 1,613,938 alleles (0.29%); highest among the groups gnomAD compares: African/African-American, 4.2%; 78 homozygotes.

Submissions (5):

Labcorp Genetics (formerly Invitae), Labcorp
Classification: Benign for Thrombophilia due to protein C deficiency, autosomal dominant. Last evaluated: 2026-01-28. Review status: criteria provided, single submitter. Criteria: Invitae Variant Classification Sherloc (09022015). Collection method: clinical testing. Allele origin: germline.

Mayo Clinic Laboratories, Mayo Clinic
Classification: Benign. Last evaluated: 2024-08-08. Review status: criteria provided, single submitter. Criteria: ACMG Guidelines, 2015. Collection method: clinical testing. Allele origin: germline. Observed: 2 variant alleles.
Comment: BS1, BS2, BP4, BP7

Fulgent Genetics
Classification: Benign for Thrombophilia due to protein C deficiency, autosomal dominant; Thrombophilia due to protein C deficiency, autosomal recessive. Last evaluated: 2021-08-13. Review status: criteria provided, single submitter. Criteria: ACMG Guidelines, 2015. Collection method: clinical testing. Allele origin: unknown.

Illumina Laboratory Services, Illumina
Classification: Likely benign for Thrombophilia due to protein C deficiency, autosomal dominant. Last evaluated: 2018-01-12. Review status: criteria provided, single submitter. Criteria: ICSL Variant Classification Criteria 13 December 2019. Collection method: clinical testing. Allele origin: germline.
Comment: This variant was observed in the ICSL laboratory as part of a predisposition screen in an ostensibly healthy population. It had not been previously curated by ICSL or reported in the Human Gene Mutation Database (HGMD: prior to June 1st, 2018), and was therefore a candidate for classification through an automated scoring system. Utilizing variant allele frequency, disease prevalence and penetrance estimates, and inheritance mode, an automated score was calculated to assess if this variant is too frequent to cause the disease. Based on the score and internal cut-off values, a variant classified as likely benign is not then subjected to further curation. The score for this variant resulted in a classification of likely benign for this disease.

Breakthrough Genomics
Classification: Likely benign. Review status: criteria provided, single submitter. Criteria: ACMG Guidelines, 2015. Collection method: not provided. Allele origin: germline. Inheritance: Autosomal recessive inheritance. Affected: yes.

NM_000312.4(PROC):c.1107G>A (p.Pro369=)

Gene: PROC (protein C, inactivator of coagulation factors Va and VIIIa; plus strand). Cytogenetic location: 2q14.3.
Variant type: single nucleotide variant.
Coding change: c.1107G>A on transcript NM_000312.4 (MANE Select); coding-DNA position 1107, G replaced by A.
Protein change: p.Pro369=; no amino-acid change (proline 369 retained).
Molecular consequence: synonymous variant.
Genome position (GRCh38, 1-based): chr2:127,428,667, G>A. VCF-style: chr2-127428667-G-A. GRCh37 (hg19) VCF-style: chr2-128186243-G-A.
Other names: p.Pro369=; c.1290G>A, p.Pro430= (NM_001375602.1); c.1272G>A, p.Pro424= (NM_001375603.1); c.1170G>A, p.Pro390= (NM_001375604.1); c.1209G>A, p.Pro403= (NM_001375605.1); c.1275G>A, p.Pro425= (NM_001375606.1); c.1293G>A, p.Pro431= (NM_001375607.1); c.1050G>A, p.Pro350= (NM_001375608.1); and 3 more.
Identifiers: ClinVar variation 331111 (VCV000331111.18), dbSNP rs61731660, ClinGen allele CA1859525.
Genomic context (GRCh38, chr2:127,428,667, plus strand): 5'-GAAGGAGGCCAAGAGAAACCGCACCTTCGTCCTCAACTTCATCAAGATTCCCGTGGTCCC[G>A]CACAATGAGTGCAGCGAGGTCATGAGCAACATGGTGTCTGAGAACATGCTGTGTGCGGGC-3'
Protein context (NP_000303.1, residues 359-379): VLNFIKIPVV[Pro369=]HNECSEVMSN